The following is an entry in ClinVar:

NM_000701.8(ATP1A1):c.3044-12T>G

Genes: ATP1A1 (ATPase Na+/K+ transporting subunit alpha 1; plus strand), ATP1A1-AS1 (ATP1A1 antisense RNA 1; minus strand). Cytogenetic location: 1p13.1.
Variant type: single nucleotide variant.
Coding change: c.3044-12T>G on transcript NM_000701.8 (MANE Select); 12 bases into the intron before coding-DNA position 3044, T replaced by G.
Molecular consequence: intron variant.
Genome position (GRCh38, 1-based): chr1:116,404,404, T>G. VCF-style: chr1-116404404-T-G. GRCh37 (hg19) VCF-style: chr1-116947026-T-G.
Other names: c.3044-12T>G (NM_001160233.2); c.2951-12T>G (NM_001160234.2).
Identifiers: ClinVar variation 3672496 (VCV003672496.2).

ClinVar aggregate classification (germline): Uncertain significance (1 of 4 stars; one submission).

gnomAD v4.1: 1 of 1,613,878 alleles (0.000062%); highest among the groups gnomAD compares: South Asian, 0.0011%; no homozygotes.

Submission:

Labcorp Genetics (formerly Invitae), Labcorp
Classification: Uncertain significance. Last evaluated: 2024-06-02. Review status: criteria provided, single submitter. Criteria: Invitae Variant Classification Sherloc (09022015). Collection method: clinical testing. Allele origin: germline.
Comment: This sequence change falls in intron 22 of the ATP1A1 gene. It does not directly change the encoded amino acid sequence of the ATP1A1 protein. This variant is not present in population databases (gnomAD no frequency). This variant has not been reported in the literature in individuals affected with ATP1A1-related conditions. Algorithms developed to predict the effect of sequence changes on RNA splicing suggest that this variant may disrupt the consensus splice site. In summary, the available evidence is currently insufficient to determine the role of this variant in disease. Therefore, it has been classified as a Variant of Uncertain Significance.